The following is an entry in ClinVar:

ClinVar aggregate classification (germline): Pathogenic (1 of 4 stars; one submission).

Submission:

Labcorp Genetics (formerly Invitae), Labcorp
Classification: Pathogenic. Last evaluated: 2023-10-23. Review status: criteria provided, single submitter. Criteria: Invitae Variant Classification Sherloc (09022015). Collection method: clinical testing. Allele origin: germline.
Comment: This sequence change creates a premature translational stop signal (p.Leu131Serfs*11) in the POU3F4 gene. While this is not anticipated to result in nonsense mediated decay, it is expected to disrupt the last 231 amino acid(s) of the POU3F4 protein. This variant is not present in population databases (gnomAD no frequency). This variant has not been reported in the literature in individuals affected with POU3F4-related conditions. This variant disrupts a region of the POU3F4 protein in which other variant(s) (p.Glu187*) have been determined to be pathogenic (PMID: 27941975, 32048449). This suggests that this is a clinically significant region of the protein, and that variants that disrupt it are likely to be disease-causing. For these reasons, this variant has been classified as Pathogenic.

Literature cited by the submitters: PubMed 27941975; PubMed 32048449.

NM_000307.5(POU3F4):c.391del (p.Leu131fs)

Gene: POU3F4 (POU class 3 homeobox 4; plus strand). Cytogenetic location: Xq21.1.
Variant type: Deletion.
Coding change: c.391del on transcript NM_000307.5 (MANE Select); coding-DNA position 391, one base deleted (C; older notation c.391delC).
Protein change: p.Leu131fs; shifts the reading frame from leucine 131.
Molecular consequence: frameshift variant.
Genome position (GRCh38, 1-based): chrX:83,508,715, C deleted; the last of 4 consecutive C bases (chrX:83,508,712-83,508,715); deleting any one gives the same sequence. VCF-style (leftmost placement, unchanged base first): chrX-83508711-AC-A. GRCh37 (hg19) VCF-style: chrX-82763719-AC-A.
Other names: short protein forms L131fs.
Identifiers: ClinVar variation 2771380 (VCV002771380.3), dbSNP rs2520216033, ClinGen allele CA2697553197.
Genomic context (GRCh38, chrX:83,508,711, plus strand): 5'-CCACCCCAACGCCTGGGGGGCCAGCCCGGCACCGAACCCGTCTATCACGTCAAGCGGCCA[AC>A]CCCTCAACGTGTACTCGCAGCCTGGCTTCACCGTGAGCGGCATGCTGGAACACGGGGGAC-3'